The following is an entry in ClinVar:

ClinVar aggregate classification (germline): Pathogenic (1 of 4 stars; one submission).

Allele frequency attached by ClinVar (database versions not stated): gnomAD 0.00001.
gnomAD v4.1: 1 of 1,609,142 alleles (0.000062%); no homozygotes.

Submission:

Labcorp Genetics (formerly Invitae), Labcorp
Classification: Pathogenic. Last evaluated: 2023-03-08. Review status: criteria provided, single submitter. Criteria: Invitae Variant Classification Sherloc (09022015). Collection method: clinical testing. Allele origin: germline.
Comment: For these reasons, this variant has been classified as Pathogenic. This sequence change affects a donor splice site in intron 10 of the POLH gene. While this variant is not anticipated to result in nonsense mediated decay, it likely alters RNA splicing and results in a disrupted protein product. This variant is present in population databases (no rsID available, gnomAD no frequency). This variant has not been reported in the literature in individuals affected with POLH-related conditions. Variants that disrupt the consensus splice site are a relatively common cause of aberrant splicing (PMID: 17576681, 9536098). Algorithms developed to predict the effect of sequence changes on RNA splicing suggest that this variant may disrupt the consensus splice site. This variant disrupts a region of the POLH protein in which other variant(s) (p.Val575Glyfs*5) have been determined to be pathogenic (PMID: 35328096). This suggests that this is a clinically significant region of the protein, and that variants that disrupt it are likely to be disease-causing.

Literature cited by the submitters: PubMed 17576681; PubMed 9536098; PubMed 35328096.

NM_006502.3(POLH):c.1244+1G>A

Gene: POLH (DNA polymerase eta; plus strand). Cytogenetic location: 6p21.1.
Variant type: single nucleotide variant.
Coding change: c.1244+1G>A on transcript NM_006502.3 (MANE Select); the canonical splice donor site of the intron after coding-DNA position 1244, G replaced by A.
Molecular consequence: splice donor variant.
Genome position (GRCh38, 1-based): chr6:43,610,724, G>A. VCF-style: chr6-43610724-G-A. GRCh37 (hg19) VCF-style: chr6-43578461-G-A.
Other names: c.1244+1G>A (NM_001291970.2); c.872+1G>A (NM_001291969.2).
Identifiers: ClinVar variation 3008452 (VCV003008452.3), dbSNP rs1395523441, ClinGen allele CA364262444.